The following is an entry in ClinVar:

ClinVar aggregate classification (germline): Uncertain significance (1 of 4 stars; one submission).

Conditions:
Cardiovascular phenotype. Identifiers: MedGen CN230736.

gnomAD v4.1: 1 of 1,614,010 alleles (0.000062%); highest among the groups gnomAD compares: African/African-American, 0.0013%; no homozygotes.

Submission:

Ambry Genetics
Classification: Uncertain significance for Cardiovascular phenotype. Last evaluated: 2024-03-15. Review status: criteria provided, single submitter. Criteria: Ambry Variant Classification Scheme 2023. Collection method: clinical testing. Allele origin: germline.
Comment: The p.G203S variant (also known as c.607G>A), located in coding exon 3 of the SNTA1 gene, results from a G to A substitution at nucleotide position 607. The glycine at codon 203 is replaced by serine, an amino acid with similar properties. This amino acid position is conserved. In addition, this alteration is predicted to be tolerated by in silico analysis. Based on the available evidence, the clinical significance of this alteration remains unclear.

NM_003098.3(SNTA1):c.607G>A (p.Gly203Ser)

Gene: SNTA1 (syntrophin alpha 1; minus strand). Cytogenetic location: 20q11.21.
Variant type: single nucleotide variant.
Coding change: c.607G>A on transcript NM_003098.3 (MANE Select); coding-DNA position 607, G replaced by A.
Protein change: p.Gly203Ser; replaces glycine 203 with serine.
Molecular consequence: missense variant.
Genome position (GRCh38, 1-based): chr20:33,417,813, C>T on the plus strand (G>A on the coding strand, the complement: SNTA1 is on the minus strand). VCF-style: chr20-33417813-C-T. GRCh37 (hg19) VCF-style: chr20-32005619-C-T.
Other names: c.607G>A, p.Gly203Ser (NM_001424413.1, NM_001424414.1); short protein forms G203S.
Identifiers: ClinVar variation 3321210 (VCV003321210.1).
Genomic context (GRCh38, chr20:33,417,813, plus strand): 5'-AGACATATGCCATCTTCAAGGACATGTGTTTGGCCTCGCTGAAGTTCCGGGGTGTGGGGC[C>T]AGGGGAGGAAGGCTGCCGCTGAAGGGGTGAGGCAGGAGGTGAGTCCCAGCCGACCGAGGT-3'
Protein context (NP_003089.1, residues 193-213): SPLQRQPSSP[Gly203Ser]PTPRNFSEAK